The following is an entry in ClinVar:

ClinVar aggregate classification (germline): Uncertain significance (1 of 4 stars; one submission).

Conditions:
Cardiovascular phenotype. Identifiers: MedGen CN230736.

gnomAD v4.1: 8 of 1,612,934 alleles (0.0005%); highest among the groups gnomAD compares: Admixed American, 0.0017%; no homozygotes.

Submission:

Ambry Genetics
Classification: Uncertain significance for Cardiovascular phenotype. Last evaluated: 2025-07-15. Review status: criteria provided, single submitter. Criteria: Ambry Variant Classification Scheme 2023. Collection method: clinical testing. Allele origin: germline.
Comment: The p.P481L variant (also known as c.1442C>T), located in coding exon 1 of the FKRP gene, results from a C to T substitution at nucleotide position 1442. The proline at codon 481 is replaced by leucine, an amino acid with similar properties. This amino acid position is conserved. In addition, this alteration is predicted to be deleterious by in silico analysis. Based on the available evidence, the clinical significance of this variant remains unclear.

NM_024301.5(FKRP):c.1442C>T (p.Pro481Leu)

Gene: FKRP (fukutin related protein; plus strand). Cytogenetic location: 19q13.32.
Variant type: single nucleotide variant.
Coding change: c.1442C>T on transcript NM_024301.5 (MANE Select); coding-DNA position 1442, C replaced by T.
Protein change: p.Pro481Leu; replaces proline 481 with leucine.
Molecular consequence: missense variant.
Genome position (GRCh38, 1-based): chr19:46,756,892, C>T. VCF-style: chr19-46756892-C-T. GRCh37 (hg19) VCF-style: chr19-47260149-C-T.
Other names: c.1442C>T, p.Pro481Leu (NM_001039885.3); short protein forms P481L.
Identifiers: ClinVar variation 4257861 (VCV004257861.1).
Genomic context (GRCh38, chr19:46,756,892, plus strand): 5'-CGCCTAACAACTACCGCCGCTTCCTGGAGCTCAAGTTCGGGCCCGGGGTCATCGAGAACC[C>T]CCAGTACCCCAACCCGGCACTGCTGAGTCTGACGGGAAGCGGCTGAAGCCCTGATAACCT-3'
Protein context (NP_077277.1, residues 471-491): LKFGPGVIEN[Pro481Leu]QYPNPALLSL